The following is an entry in ClinVar:

NM_018979.4(WNK1):c.4384G>C (p.Gly1462Arg)

Gene: WNK1 (WNK lysine deficient protein kinase 1; plus strand). Cytogenetic location: 12p13.33.
Variant type: single nucleotide variant.
Coding change: c.4384G>C on transcript NM_018979.4 (MANE Select); coding-DNA position 4384, G replaced by C.
Protein change: p.Gly1462Arg; replaces glycine 1462 with arginine.
Molecular consequence: missense variant.
Genome position (GRCh38, 1-based): chr12:885,188, G>C. VCF-style: chr12-885188-G-C. GRCh37 (hg19) VCF-style: chr12-994354-G-C.
Other names: c.5164G>C, p.Gly1722Arg (NM_001184985.2); c.3643G>C, p.Gly1215Arg (NM_014823.3); c.5140G>C, p.Gly1714Arg (NM_213655.5); short protein forms G1714R, G1462R, G1215R, G1722R.
Identifiers: ClinVar variation 310829 (VCV000310829.13), dbSNP rs368621387, ClinGen allele CA6382967.
Genomic context (GRCh38, chr12:885,188, plus strand): 5'-GTTTCTAGTACAGCACTGTATCCTTCAGTAACAGTTTCAGCAACTTCAGCCTCTGCAGGG[G>C]GCAGTACTGCTACCCCAGGTCCTAAGCCTCCAGCTGTAGTATCTCAGCAGGCAGCAGGCA-3'
Protein context (NP_061852.3, residues 1452-1472): TVSATSASAG[Gly1462Arg]STATPGPKPP

ClinVar aggregate classification (germline): Conflicting classifications of pathogenicity. Review status: criteria provided, conflicting classifications (1 of 4 stars). 2 submissions from 2 submitters: Uncertain significance (1); Likely benign (1). Last evaluated 2022-06-20.

Conditions:
Neuropathy, hereditary sensory and autonomic, type 2A (HSAN2A). Also called: ACROOSTEOLYSIS, GIACCAI TYPE; ACROOSTEOLYSIS, NEUROGENIC; MORVAN DISEASE; NEUROPATHY, CONGENITAL SENSORY; NEUROPATHY, HEREDITARY SENSORY RADICULAR, AUTOSOMAL RECESSIVE; NEUROPATHY, HEREDITARY SENSORY, TYPE IIA. Identifiers: Orphanet 970, MedGen C2752089, MONDO:0024309, OMIM 201300.
Pseudohypoaldosteronism type 2C (PHA2C). Also called: Pseudohypoaldosteronism Type IIC. Identifiers: Orphanet 757, Orphanet 88940, MedGen C1840391, MONDO:0013778, OMIM 614492.

Allele frequency attached by ClinVar (database versions not stated): gnomAD exomes below 0.00001; gnomAD 0.00001; TOPMed 0.00001; ExAC 0.00002; ESP Exome Variant Server 0.00008.
gnomAD v4.1: 59 of 1,614,006 alleles (0.0037%); highest among the groups gnomAD compares: Non-Finnish European, 0.0047%; no homozygotes.

Submissions (2):

Labcorp Genetics (formerly Invitae), Labcorp
Classification: Uncertain significance for Neuropathy, hereditary sensory and autonomic, type 2A; Pseudohypoaldosteronism type 2C. Last evaluated: 2022-06-20. Review status: criteria provided, single submitter. Criteria: Invitae Variant Classification Sherloc (09022015). Collection method: clinical testing. Allele origin: germline.
Comment: This variant is present in population databases (rs368621387, gnomAD 0.002%). In summary, the available evidence is currently insufficient to determine the role of this variant in disease. Therefore, it has been classified as a Variant of Uncertain Significance. Advanced modeling of protein sequence and biophysical properties (such as structural, functional, and spatial information, amino acid conservation, physicochemical variation, residue mobility, and thermodynamic stability) performed at Invitae indicates that this missense variant is not expected to disrupt WNK1 protein function. ClinVar contains an entry for this variant (Variation ID: 310829). This variant has not been reported in the literature in individuals affected with WNK1-related conditions. This sequence change replaces glycine, which is neutral and non-polar, with arginine, which is basic and polar, at codon 1714 of the WNK1 protein (p.Gly1714Arg).

Illumina Laboratory Services, Illumina
Classification: Likely benign for Pseudohypoaldosteronism type 2C. Last evaluated: 2018-01-13. Review status: criteria provided, single submitter. Criteria: ICSL Variant Classification Criteria 13 December 2019. Collection method: clinical testing. Allele origin: germline.
Comment: This variant was observed in the ICSL laboratory as part of a predisposition screen in an ostensibly healthy population. It had not been previously curated by ICSL or reported in the Human Gene Mutation Database (HGMD: prior to June 1st, 2018), and was therefore a candidate for classification through an automated scoring system. Utilizing variant allele frequency, disease prevalence and penetrance estimates, and inheritance mode, an automated score was calculated to assess if this variant is too frequent to cause the disease. Based on the score and internal cut-off values, a variant classified as likely benign is not then subjected to further curation. The score for this variant resulted in a classification of likely benign for this disease.